The following is an entry in ClinVar:

NM_001369369.1(FOXN1):c.1010del (p.Gly337fs)

Gene: FOXN1 (forkhead box N1; plus strand). Cytogenetic location: 17q11.2.
Variant type: Deletion.
Coding change: c.1010del on transcript NM_001369369.1 (MANE Select); coding-DNA position 1010, one base deleted (G; older notation c.1010delG).
Protein change: p.Gly337fs; shifts the reading frame from glycine 337.
Molecular consequence: frameshift variant.
Genome position (GRCh38, 1-based): chr17:28,534,413, G deleted; the last of 2 consecutive G bases (chr17:28,534,412-28,534,413); deleting either gives the same sequence. VCF-style (leftmost placement, unchanged base first): chr17-28534411-AG-A. GRCh37 (hg19) VCF-style: chr17-26861429-AG-A.
Other names: NM_001369369.1(FOXN1):c.1010del; p.Gly337fs; c.1010del, p.Gly337fs (NM_003593.3); short protein forms G337fs.
Identifiers: ClinVar variation 1456275 (VCV001456275.10), dbSNP rs2151497970, ClinGen allele CA2573153469.
Genomic context (GRCh38, chr17:28,534,411, plus strand): 5'-GAATTCTGTCCGGCACAACCTATCCCTCAACAAGTGCTTCGAGAAGGTGGAGAACAAATC[AG>A]GAAGTTCCTCCCGCAAGGGCTGCCTGTGGGCCCTCAATCCGGCCAAGATCGACAAGATGC-3'

ClinVar aggregate classification (germline): Likely pathogenic. Review status: reviewed by expert panel (3 of 4 stars). 3 submissions from 3 submitters: Likely pathogenic (1). 2 of the submissions do not count toward it. Last evaluated 2024-07-29.

Conditions:
FOXN1-related disorders.
T-cell immunodeficiency, congenital alopecia, and nail dystrophy. Also called: Congenital alopecia and nail dystrophy associated with severe functional T-cell immunodeficiency; Pignata Guarino syndrome. Identifiers: Orphanet 169095, MedGen C1866426, MONDO:0011132, OMIM 601705.

Submissions (3):

ClinGen Severe Combined Immunodeficiency Variant Curation Expert Panel, ClinGen
Classification: Likely pathogenic for T-cell immunodeficiency, congenital alopecia, and nail dystrophy. Last evaluated: 2024-07-29. Review status: reviewed by expert panel. Criteria: ClinGen SCID ACMG Specifications FOXN1 V1.0.0. Collection method: curation. Allele origin: germline. Inheritance: Semidominant inheritance.
Comment: The NM_001369369.1(FOXN1):c.1010del (p.Gly337GlufsTer?) frameshift variant in exon 6 results in a premature stop codon in the final exon (exon 9) at codon 549. It is not predicted to cause NMD but would truncate 15% of the protein, including most of the transactivation domain which is critical to protein function (PVS1_Strong).Variant has a Grpmax allele frequency of 0 in gnomADv4.1.0 with a single allele present in the European non-Finnish population. It was detected in P5 (PMID: 31447097), who displayed phenotypes such as T lymphopenia, CD3 571 cells/ul [nv:2500-5500], low TRECs, but did not display nail dystrophy. The patient was also sequenced for other SCID related genes (PP4). In summary this variant meets criteria to be classified as likely pathogenic for semidominant T-cell immunodeficiency, congenital alopecia, and nail dystrophy due to FOXN1 deficiency based on the ACMG/AMP criteria applied: PVS1_strong, PM2_supporting, and PP4 as specified by the ClinGen SCID VCEP FOXN1 subgroup.

Labcorp Genetics (formerly Invitae), Labcorp
Classification: Pathogenic for T-cell immunodeficiency, congenital alopecia, and nail dystrophy. Last evaluated: 2025-05-21. Review status: criteria provided, single submitter. Criteria: Invitae Variant Classification Sherloc (09022015). Collection method: clinical testing. Allele origin: germline. Not counted in ClinVar's aggregate classification.
Comment: This sequence change creates a premature translational stop signal (p.Gly337Glufs*213) in the FOXN1 gene. While this is not anticipated to result in nonsense mediated decay, it is expected to disrupt the last 312 amino acid(s) of the FOXN1 protein. This variant is not present in population databases (gnomAD no frequency). This premature translational stop signal has been observed in individual(s) with clinical features of FOXN1-related conditions (PMID: 31447097). This variant is also known as c.1009_1009delG. ClinVar contains an entry for this variant (Variation ID: 1456275). This variant disrupts a region of the FOXN1 protein in which other variant(s) (p.Gln489Argfs*61) have been determined to be pathogenic (PMID: 31566583). This suggests that this is a clinically significant region of the protein, and that variants that disrupt it are likely to be disease-causing. For these reasons, this variant has been classified as Pathogenic.

Blueprint Genetics
Classification: Pathogenic for FOXN1-related disorders. Last evaluated: 2022-04-12. Review status: criteria provided, single submitter. Criteria: ACMG Guidelines, 2015. Collection method: clinical testing. Allele origin: germline. Affected: yes. Observed: 1 variant allele. Not counted in ClinVar's aggregate classification.

Literature cited by the submitters: PubMed 31447097 (cited by Labcorp Genetics (formerly Invitae), Labcorp); PubMed 31566583 (cited by Labcorp Genetics (formerly Invitae), Labcorp).